The following is an entry in ClinVar:

ClinVar aggregate classification (germline): Uncertain significance (1 of 4 stars; one submission).

Conditions:
Familial sleep-related hypermotor epilepsy. Also called: Autosomal Dominant Sleep-Related Hypermotor (Hyperkinetic) Epilepsy. Identifiers: Orphanet 98784, MedGen C3696898, MONDO:0000030.

Allele frequency attached by ClinVar (database versions not stated): gnomAD 0.00004 and 0.00003; gnomAD exomes 0.00001 and below 0.00001; TOPMed 0.00002.
gnomAD v4.1: 9 of 1,614,092 alleles (0.00056%); highest among the groups gnomAD compares: Middle Eastern, 0.016%; no homozygotes.

Submission:

Labcorp Genetics (formerly Invitae), Labcorp
Classification: Uncertain significance. Last evaluated: 2025-12-01. Review status: criteria provided, single submitter. Criteria: Invitae Variant Classification Sherloc (09022015). Collection method: clinical testing. Allele origin: germline.
Comment: This sequence change replaces arginine, which is basic and polar, with cysteine, which is neutral and slightly polar, at codon 180 of the CHRNB2 protein (p.Arg180Cys). This variant is present in population databases (no rsID available, gnomAD 0.006%). This variant has not been reported in the literature in individuals affected with CHRNB2-related conditions. ClinVar contains an entry for this variant (Variation ID: 639777). Invitae Evidence Modeling of protein sequence and biophysical properties (such as structural, functional, and spatial information, amino acid conservation, physicochemical variation, residue mobility, and thermodynamic stability) indicates that this missense variant is not expected to disrupt CHRNB2 protein function with a negative predictive value of 80%. In summary, the available evidence is currently insufficient to determine the role of this variant in disease. Therefore, it has been classified as a Variant of Uncertain Significance.

NM_000748.3(CHRNB2):c.538C>T (p.Arg180Cys)

Gene: CHRNB2 (cholinergic receptor nicotinic beta 2 subunit; plus strand). Cytogenetic location: 1q21.3.
Variant type: single nucleotide variant.
Coding change: c.538C>T on transcript NM_000748.3 (MANE Select); coding-DNA position 538, C replaced by T.
Protein change: p.Arg180Cys; replaces arginine 180 with cysteine.
Molecular consequence: missense variant.
Genome position (GRCh38, 1-based): chr1:154,571,361, C>T. VCF-style: chr1-154571361-C-T. GRCh37 (hg19) VCF-style: chr1-154543837-C-T.
Other names: short protein forms R180C.
Identifiers: ClinVar variation 639777 (VCV000639777.8), dbSNP rs1469333218, ClinGen allele CA342630261.